The following is an entry in ClinVar:

NM_001286.5(CLCN6):c.291T>C (p.Phe97=)

Gene: CLCN6 (Cl-/H+ antiporter 6; plus strand). Cytogenetic location: 1p36.22.
Variant type: single nucleotide variant.
Coding change: c.291T>C on transcript NM_001286.5 (MANE Select); coding-DNA position 291, T replaced by C.
Protein change: p.Phe97=; no amino-acid change (phenylalanine 97 retained).
Molecular consequence: synonymous variant. On other transcripts: non-coding transcript variant (1).
Genome position (GRCh38, 1-based): chr1:11,819,499, T>C. VCF-style: chr1-11819499-T-C. GRCh37 (hg19) VCF-style: chr1-11879556-T-C.
Other names: c.225T>C, p.Phe75= (NM_001256959.2).
Identifiers: ClinVar variation 1603539 (VCV001603539.12), dbSNP rs776926711, ClinGen allele CA595990.
Genomic context (GRCh38, chr1:11,819,499, plus strand): 5'-TGCTACACTTGGAAATAAGGCTGTGTGACAGATCTCTTGCTCTTCACAGGTGGGTCTCTT[T>C]GTGGACTTTTTTGTGCGACTCTTCACCCAACTCAAGTTCGGAGTGGTACAGACATGTATC-3'
Protein context (NP_001277.2, residues 87-107): IGVCTGLVGL[Phe97=]VDFFVRLFTQ

ClinVar aggregate classification (germline): Benign/Likely benign. Review status: criteria provided, multiple submitters, no conflicts (2 of 4 stars). 2 submissions from 2 submitters: Benign (1); Likely benign (1). Last evaluated 2025-12-15.

Allele frequency attached by ClinVar (database versions not stated): gnomAD 0.00005 and 0.00006; gnomAD exomes 0.00005 and 0.00025; TOPMed 0.00013; ExAC 0.00018.
gnomAD v4.1: 87 of 1,614,084 alleles (0.0054%); highest among the groups gnomAD compares: Admixed American, 0.14%; 1 homozygote.

Submissions (2):

Labcorp Genetics (formerly Invitae), Labcorp
Classification: Benign. Last evaluated: 2025-12-15. Review status: criteria provided, single submitter. Criteria: Invitae Variant Classification Sherloc (09022015). Collection method: clinical testing. Allele origin: germline.

CeGaT Center for Human Genetics Tuebingen
Classification: Likely benign. Last evaluated: 2025-12-01. Review status: criteria provided, single submitter. Criteria: CeGaT Center For Human Genetics Tuebingen Variant Classification Criteria Version 2. Collection method: clinical testing. Allele origin: germline. Affected: yes. Observed: 1 variant allele.
Comment: CLCN6: BP4, BP7